The following is an entry in ClinVar:

ClinVar aggregate classification (germline): Benign (1 of 4 stars; one submission).

Conditions:
ALG6-congenital disorder of glycosylation 1C (CDG1C). Also called: CDG Ic; CARBOHYDRATE-DEFICIENT GLYCOPROTEIN SYNDROME, TYPE I, WITH DEFICIENT GLYCOSYLATION OF DOLICHOL-LINKED OLIGOSACCHARIDE; CARBOHYDRATE-DEFICIENT GLYCOPROTEIN SYNDROME, TYPE V; Congenital disorder of glycosylation type 1C; Congenital disorder of glycosylation, type Ic. Identifiers: Orphanet 79320, MedGen C2930997, MONDO:0011291, OMIM 603147.

Allele frequency attached by ClinVar (database versions not stated): gnomAD 0.03758 and 0.04045; 1000 Genomes Project 0.03874; TOPMed 0.04183; 1000 Genomes Project 30x 0.04419.

Submission:

Illumina Laboratory Services, Illumina
Classification: Benign for ALG6-congenital disorder of glycosylation 1C. Last evaluated: 2018-01-13. Review status: criteria provided, single submitter. Criteria: ICSL Variant Classification Criteria 13 December 2019. Collection method: clinical testing. Allele origin: germline.
Comment: This variant was observed in the ICSL laboratory as part of a predisposition screen in an ostensibly healthy population. It had not been previously curated by ICSL or reported in the Human Gene Mutation Database (HGMD: prior to June 1st, 2018), and was therefore a candidate for classification through an automated scoring system. Utilizing variant allele frequency, disease prevalence and penetrance estimates, and inheritance mode, an automated score was calculated to assess if this variant is too frequent to cause the disease. Based on the score and internal cut-off values, a variant classified as benign is not then subjected to further curation. The score for this variant resulted in a classification of benign for this disease.

NM_013339.4(ALG6):c.*1322A>G

Gene: ALG6 (ALG6 alpha-1,3-glucosyltransferase; plus strand). Cytogenetic location: 1p31.3.
Variant type: single nucleotide variant.
Coding change: c.*1322A>G on transcript NM_013339.4 (MANE Select); 1322 bases downstream of the stop codon, A replaced by G.
Molecular consequence: 3 prime UTR variant.
Genome position (GRCh38, 1-based): chr1:63,438,342, A>G. VCF-style: chr1-63438342-A-G. GRCh37 (hg19) VCF-style: chr1-63904013-A-G.
Other names: c.*1322A>G (LRG_1260t1).
Identifiers: ClinVar variation 297867 (VCV000297867.5), dbSNP rs75309742, ClinGen allele CA10611342.